The following is an entry in ClinVar:

ClinVar aggregate classification (germline): Conflicting classifications of pathogenicity. Review status: criteria provided, conflicting classifications (1 of 4 stars). 2 submissions from 2 submitters: Likely pathogenic (1); Uncertain significance (1). Last evaluated 2025-09-28.

Submissions (2):

Labcorp Genetics (formerly Invitae), Labcorp
Classification: Uncertain significance. Last evaluated: 2025-09-28. Review status: criteria provided, single submitter. Criteria: Invitae Variant Classification Sherloc (09022015). Collection method: clinical testing. Allele origin: germline.
Comment: This sequence change replaces arginine, which is basic and polar, with threonine, which is neutral and polar, at codon 45 of the SPTA1 protein (p.Arg45Thr). This variant is not present in population databases (gnomAD no frequency). This missense change has been observed in individuals with hereditary elliptocytosis (PMID: 7772539; internal data). This variant is also known as alpha 45 Arg-->Thr. ClinVar contains an entry for this variant (Variation ID: 2433756). Invitae Evidence Modeling of protein sequence and biophysical properties (such as structural, functional, and spatial information, amino acid conservation, physicochemical variation, residue mobility, and thermodynamic stability) has been performed for this missense variant. However, the output from this modeling did not meet the statistical confidence thresholds required to predict the impact of this variant on SPTA1 protein function. Experimental studies have shown that this missense change affects SPTA1 function (PMID: 18218854). This variant disrupts the p.Arg45 amino acid residue in SPTA1. Other variant(s) that disrupt this residue have been observed in individuals with SPTA1-related conditions (PMID: 2568862), which suggests that this may be a clinically significant amino acid residue. In summary, the available evidence is currently insufficient to determine the role of this variant in disease. Therefore, it has been classified as a Variant of Uncertain Significance.

Revvity Omics, Revvity
Classification: Likely pathogenic. Last evaluated: 2023-05-03. Review status: criteria provided, single submitter. Criteria: ACMG Guidelines, 2015. Collection method: clinical testing. Allele origin: germline.

Literature cited by the submitters: PubMed 7772539 (cited by Labcorp Genetics (formerly Invitae), Labcorp); PubMed 18218854 (cited by Labcorp Genetics (formerly Invitae), Labcorp); PubMed 2568862 (cited by Labcorp Genetics (formerly Invitae), Labcorp).

NM_003126.4(SPTA1):c.134G>C (p.Arg45Thr)

Gene: SPTA1 (spectrin alpha, erythrocytic 1; minus strand). Cytogenetic location: 1q23.1.
Variant type: single nucleotide variant.
Coding change: c.134G>C on transcript NM_003126.4 (MANE Select); coding-DNA position 134, G replaced by C.
Protein change: p.Arg45Thr; replaces arginine 45 with threonine.
Molecular consequence: missense variant.
Genome position (GRCh38, 1-based): chr1:158,685,238, C>G on the plus strand (G>C on the coding strand, the complement: SPTA1 is on the minus strand). VCF-style: chr1-158685238-C-G. GRCh37 (hg19) VCF-style: chr1-158655028-C-G.
Other names: short protein forms R45T.
Identifiers: ClinVar variation 2433756 (VCV002433756.4), dbSNP rs374697328, ClinGen allele CA343026736.